The following is an entry in ClinVar:

NM_003114.5(SPAG1):c.1406C>G (p.Ser469Trp)

Genes: SPAG1 (sperm associated antigen 1; plus strand), LOC130000832 (ATAC-STARR-seq lymphoblastoid silent region 19412; plus strand). Cytogenetic location: 8q22.2.
Variant type: single nucleotide variant.
Coding change: c.1406C>G on transcript NM_003114.5 (MANE Select); coding-DNA position 1406, C replaced by G.
Protein change: p.Ser469Trp; replaces serine 469 with tryptophan.
Molecular consequence: missense variant.
Genome position (GRCh38, 1-based): chr8:100,213,399, C>G. VCF-style: chr8-100213399-C-G. GRCh37 (hg19) VCF-style: chr8-101225627-C-G.
Other names: c.1406C>G, p.Ser469Trp (NM_001374321.1, NM_172218.3); short protein forms S469W.
Identifiers: ClinVar variation 1018450 (VCV001018450.11), dbSNP rs756472753, ClinGen allele CA4827480.

ClinVar aggregate classification (germline): Uncertain significance. Review status: criteria provided, multiple submitters, no conflicts (2 of 4 stars). 2 submissions from 2 submitters: Uncertain significance (2). Last evaluated 2024-08-05.

Conditions:
Primary ciliary dyskinesia 28. Also called: CILIARY DYSKINESIA, PRIMARY, 28, WITH OR WITHOUT SITUS INVERSUS. Identifiers: Orphanet 244, MedGen C3809706, MONDO:0014216, OMIM 615505.
Primary ciliary dyskinesia. Also called: Ciliary dyskinesia. Identifiers: Orphanet 244, MedGen C0008780, MONDO:0016575, HP:0012265.

Allele frequency attached by ClinVar (database versions not stated): gnomAD 0.00017 and 0.00019; ExAC 0.00022; TOPMed 0.00026; 1000 Genomes Project 30x 0.00031.
gnomAD v4.1: 44 of 1,441,362 alleles (0.0031%); highest among the groups gnomAD compares: African/African-American, 0.061%; no homozygotes.

Submissions (2):

Ambry Genetics
Classification: Uncertain significance for Primary ciliary dyskinesia. Last evaluated: 2024-08-05. Review status: criteria provided, single submitter. Criteria: Ambry Variant Classification Scheme 2023. Collection method: clinical testing. Allele origin: germline.

Labcorp Genetics (formerly Invitae), Labcorp
Classification: Uncertain significance for Primary ciliary dyskinesia 28. Last evaluated: 2023-12-22. Review status: criteria provided, single submitter. Criteria: Invitae Variant Classification Sherloc (09022015). Collection method: clinical testing. Allele origin: germline.
Comment: This sequence change replaces serine, which is neutral and polar, with tryptophan, which is neutral and slightly polar, at codon 469 of the SPAG1 protein (p.Ser469Trp). This variant is present in population databases (rs756472753, gnomAD 0.05%). This variant has not been reported in the literature in individuals affected with SPAG1-related conditions. ClinVar contains an entry for this variant (Variation ID: 1018450). Advanced modeling of protein sequence and biophysical properties (such as structural, functional, and spatial information, amino acid conservation, physicochemical variation, residue mobility, and thermodynamic stability) performed at Invitae indicates that this missense variant is expected to disrupt SPAG1 protein function with a positive predictive value of 80%. In summary, the available evidence is currently insufficient to determine the role of this variant in disease. Therefore, it has been classified as a Variant of Uncertain Significance.